The following is an entry in ClinVar:

ClinVar aggregate classification (germline): Uncertain significance. Review status: criteria provided, multiple submitters, no conflicts (2 of 4 stars). 2 submissions from 2 submitters: Uncertain significance (2). Last evaluated 2024-02-27.

Allele frequency attached by ClinVar (database versions not stated): gnomAD 0.00003 and 0.00004; gnomAD exomes 0.00006; TOPMed 0.00006; ExAC 0.00007; ESP Exome Variant Server 0.00016.
gnomAD v4.1: 88 of 1,606,290 alleles (0.0055%); highest among the groups gnomAD compares: Admixed American, 0.0084%; no homozygotes.

Submissions (2):

GeneDx
Classification: Uncertain significance. Last evaluated: 2024-02-27. Review status: criteria provided, single submitter. Criteria: GeneDx Variant Classification Process June 2021. Collection method: clinical testing. Allele origin: germline. Affected: yes.
Comment: Not observed at significant frequency in large population cohorts (gnomAD); In silico analysis supports that this missense variant does not alter protein structure/function; Has not been previously published as pathogenic or benign to our knowledge

Labcorp Genetics (formerly Invitae), Labcorp
Classification: Uncertain significance. Last evaluated: 2022-07-17. Review status: criteria provided, single submitter. Criteria: Invitae Variant Classification Sherloc (09022015). Collection method: clinical testing. Allele origin: germline.
Comment: This sequence change replaces arginine, which is basic and polar, with histidine, which is basic and polar, at codon 1182 of the LTBP4 protein (p.Arg1182His). This variant is present in population databases (rs371386730, gnomAD 0.01%). This variant has not been reported in the literature in individuals affected with LTBP4-related conditions. ClinVar contains an entry for this variant (Variation ID: 1408443). Experimental studies and prediction algorithms are not available or were not evaluated, and the functional significance of this variant is currently unknown. In summary, the available evidence is currently insufficient to determine the role of this variant in disease. Therefore, it has been classified as a Variant of Uncertain Significance.

NM_001042545.2(LTBP4):c.3455G>A (p.Arg1152His)

Gene: LTBP4 (latent transforming growth factor beta binding protein 4; plus strand). Cytogenetic location: 19q13.2.
Variant type: single nucleotide variant.
Coding change: c.3455G>A on transcript NM_001042545.2 (MANE Select); coding-DNA position 3455, G replaced by A.
Protein change: p.Arg1152His; replaces arginine 1152 with histidine.
Molecular consequence: missense variant.
Genome position (GRCh38, 1-based): chr19:40,622,638, G>A. VCF-style: chr19-40622638-G-A. GRCh37 (hg19) VCF-style: chr19-41128543-G-A.
Other names: c.3656G>A, p.Arg1219His (NM_001042544.1); c.3545G>A, p.Arg1182His (NM_003573.2); short protein forms R1219H, R1152H, R1182H.
Identifiers: ClinVar variation 1408443 (VCV001408443.4), dbSNP rs371386730, ClinGen allele CA9449007.